The following is an entry in ClinVar:

NM_001846.4(COL4A2):c.472C>T (p.Pro158Ser)

Gene: COL4A2 (collagen type IV alpha 2 chain; plus strand). Cytogenetic location: 13q34.
Variant type: single nucleotide variant.
Coding change: c.472C>T on transcript NM_001846.4 (MANE Select); coding-DNA position 472, C replaced by T.
Protein change: p.Pro158Ser; replaces proline 158 with serine.
Molecular consequence: missense variant.
Genome position (GRCh38, 1-based): chr13:110,428,578, C>T. VCF-style: chr13-110428578-C-T. GRCh37 (hg19) VCF-style: chr13-111080925-C-T.
Other names: short protein forms P158S.
Identifiers: ClinVar variation 4887361 (VCV004887361.1).
Genomic context (GRCh38, chr13:110,428,578, plus strand): 5'-AACGGAACCCAGGGAGACTCAGGTCCACAGGGGCCCCCCGGCTCTGAGGGGTTCACCGGG[C>T]CTCCCGTGAGTATCCCCACAGCGCCTGTGCTCCAGGGACGGGCAGACCCCTGCTAAGCCC-3'
Protein context (NP_001837.2, residues 148-168): GPPGSEGFTG[Pro158Ser]PGPQGPKGQK

ClinVar aggregate classification (germline): Uncertain significance (1 of 4 stars; one submission).

gnomAD v4.1: 20 of 1,531,376 alleles (0.0013%); highest among the groups gnomAD compares: Non-Finnish European, 0.0018%; no homozygotes.

Submission:

Women's Health and Genetics/Laboratory Corporation of America, LabCorp
Classification: Uncertain significance. Last evaluated: 2026-06-10. Review status: criteria provided, single submitter. Criteria: LabCorp Variant Classification Summary - May 2015. Collection method: clinical testing. Allele origin: germline.
Comment: Variant summary: COL4A2 c.472C>T (p.Pro158Ser) results in a non-conservative amino acid change in the encoded protein sequence. Algorithms developed to predict the effect of missense changes on protein structure and function are either unavailable or do not agree on the potential impact of this missense change. The variant allele was found at a frequency of 1.3e-05 in 1531376 control chromosomes. This frequency is not significantly higher than estimated for disease-causing variants in COL4A2, allowing no conclusion about variant significance. To our knowledge, no occurrence of c.472C>T in individuals affected with COL4A2-related conditions and no experimental evidence demonstrating its impact on protein function have been reported. No submitters have cited clinical-significance assessments for this variant to ClinVar. Based on the evidence outlined above, the variant was classified as uncertain significance.